The following is an entry in ClinVar:

NM_001876.4(CPT1A):c.52G>A (p.Gly18Arg)

Gene: CPT1A (carnitine palmitoyltransferase 1A; minus strand). Cytogenetic location: 11q13.3.
Variant type: single nucleotide variant.
Coding change: c.52G>A on transcript NM_001876.4 (MANE Select); coding-DNA position 52, G replaced by A.
Protein change: p.Gly18Arg; replaces glycine 18 with arginine.
Molecular consequence: missense variant.
Genome position (GRCh38, 1-based): chr11:68,815,423, C>T on the plus strand (G>A on the coding strand, the complement: CPT1A is on the minus strand). VCF-style: chr11-68815423-C-T. GRCh37 (hg19) VCF-style: chr11-68582891-C-T.
Other names: c.52G>A, p.Gly18Arg (NM_001031847.3); short protein forms G18R.
Identifiers: ClinVar variation 1047271 (VCV001047271.6), dbSNP rs767491846, ClinGen allele CA6152795.
Genomic context (GRCh38, chr11:68,815,423, plus strand): 5'-AATGAAGTCCAGAGAGATAGATTTGTCTAAGAGCTTCATGGCTCAGCCGCAGGTCAATCC[C>T]GTCCGGAGTGACCGTGAACTGAAAGGCCACAGCTTGGTGAGCTTCTGCCATCTTCAGAGA-3'
Protein context (NP_001867.2, residues 8-28): VAFQFTVTPD[Gly18Arg]IDLRLSHEAL

ClinVar aggregate classification (germline): Uncertain significance. Review status: criteria provided, single submitter (1 of 4 stars). 2 submissions from 2 submitters: Uncertain significance (1). 1 of the submissions does not count toward it. Last evaluated 2021-08-28.

Conditions:
Carnitine palmitoyl transferase 1A deficiency. Also called: Carnitine palmitoyltransferase 1A deficiency; CPT I DEFICIENCY; CPT DEFICIENCY, HEPATIC, TYPE I; Carnitine palmitoyltransferase type I deficiency; CPT deficiency, hepatic, type IA. Identifiers: Orphanet 156, MedGen C1829703, MONDO:0009705, OMIM 255120.

Allele frequency attached by ClinVar (database versions not stated): gnomAD exomes 0.00001 and 0.00002; ExAC 0.00002.
gnomAD v4.1: 11 of 1,613,858 alleles (0.00068%); highest among the groups gnomAD compares: South Asian, 0.0055%; no homozygotes.

Submissions (2):

Labcorp Genetics (formerly Invitae), Labcorp
Classification: Uncertain significance for Carnitine palmitoyl transferase 1A deficiency. Last evaluated: 2021-08-28. Review status: criteria provided, single submitter. Criteria: Invitae Variant Classification Sherloc (09022015). Collection method: clinical testing. Allele origin: germline.
Comment: This sequence change replaces glycine with arginine at codon 18 of the CPT1A protein (p.Gly18Arg). The glycine residue is moderately conserved and there is a moderate physicochemical difference between glycine and arginine. This variant is present in population databases (rs767491846, ExAC 0.006%). This variant has not been reported in the literature in individuals affected with CPT1A-related conditions. Algorithms developed to predict the effect of missense changes on protein structure and function are either unavailable or do not agree on the potential impact of this missense change (SIFT: "Deleterious"; PolyPhen-2: "Possibly Damaging"; Align-GVGD: "Class C0"). Algorithms developed to predict the effect of sequence changes on RNA splicing suggest that this variant may create or strengthen a splice site. In summary, the available evidence is currently insufficient to determine the role of this variant in disease. Therefore, it has been classified as a Variant of Uncertain Significance.

Natera, Inc.
Classification: Uncertain significance for Carnitine palmitoyltransferase type I deficiency. Last evaluated: 2021-10-07. Review status: no assertion criteria provided. Collection method: clinical testing. Allele origin: germline. Not counted in ClinVar's aggregate classification.